The following is an entry in ClinVar:

NM_006348.5(COG5):c.835+6G>A

Gene: COG5 (component of oligomeric golgi complex 5; minus strand). Cytogenetic location: 7q22.3.
Variant type: single nucleotide variant.
Coding change: c.835+6G>A on transcript NM_006348.5 (MANE Select); 6 bases into the intron after coding-DNA position 835, G replaced by A.
Molecular consequence: intron variant.
Genome position (GRCh38, 1-based): chr7:107,372,589, C>T on the plus strand (G>A on the coding strand, the complement: COG5 is on the minus strand). VCF-style: chr7-107372589-C-T. GRCh37 (hg19) VCF-style: chr7-107013034-C-T.
Other names: c.235-10479G>A (NM_001379516.1); c.539-74243G>A (NM_001379515.1); c.835+6G>A (NM_001379511.1, NM_001379512.1, NM_181733.4 and 3 more transcripts).
Identifiers: ClinVar variation 1449700 (VCV001449700.6), dbSNP rs2129050084, ClinGen allele CA2573141379.

ClinVar aggregate classification (germline): Uncertain significance (1 of 4 stars; one submission).

Conditions:
COG5-congenital disorder of glycosylation. Also called: COG5-CDG; CONGENITAL DISORDER OF GLYCOSYLATION, TYPE IIi; CDG IIi. Identifiers: Orphanet 263487, MedGen C3150876, MONDO:0013325, OMIM 613612.

Allele frequency attached by ClinVar (database versions not stated): gnomAD exomes 0.00001.
gnomAD v4.1: 5 of 1,612,950 alleles (0.00031%); highest among the groups gnomAD compares: Non-Finnish European, 0.00042%; no homozygotes.

Submission:

Labcorp Genetics (formerly Invitae), Labcorp
Classification: Uncertain significance for COG5-congenital disorder of glycosylation. Last evaluated: 2021-04-06. Review status: criteria provided, single submitter. Criteria: Invitae Variant Classification Sherloc (09022015). Collection method: clinical testing. Allele origin: germline.
Comment: In summary, the available evidence is currently insufficient to determine the role of this variant in disease. Therefore, it has been classified as a Variant of Uncertain Significance. Nucleotide substitutions within the consensus splice site are a relatively common cause of aberrant splicing (PMID: 17576681, 9536098). Algorithms developed to predict the effect of sequence changes on RNA splicing suggest that this variant is not likely to affect RNA splicing, but this prediction has not been confirmed by published transcriptional studies. This variant has not been reported in the literature in individuals with COG5-related conditions. This variant is not present in population databases (ExAC no frequency). This sequence change falls in intron 8 of the COG5 gene. It does not directly change the encoded amino acid sequence of the COG5 protein. It affects a nucleotide within the consensus splice site of the intron.

Literature cited by the submitters: PubMed 17576681; PubMed 9536098.